The following is an entry in ClinVar:

NM_024675.4(PALB2):c.2749-3_2749-1delinsAA

Gene: PALB2 (partner and localizer of BRCA2; minus strand). Cytogenetic location: 16p12.2.
Variant type: Indel.
Coding change: c.2749-3_2749-1delinsAA on transcript NM_024675.4 (MANE Select); 3 bases into the intron before coding-DNA position 2749 through the canonical splice acceptor site of the intron before coding-DNA position 2749, TAG replaced by AA.
Molecular consequence: splice acceptor variant.
Genome position (GRCh38, 1-based): chr16:23,624,095-23,624,097, CTA replaced by TT on the plus strand (TAG replaced by AA on the coding strand, the reverse complement: PALB2 is on the minus strand). VCF-style: chr16-23624095-CTA-TT. GRCh37 (hg19) VCF-style: chr16-23635416-CTA-TT.
Other names: c.1864-3_1864-1delinsAA (NM_001407308.1, NM_001407306.1, NM_001407309.1 and 4 more transcripts); c.283-3_283-1delinsAA (NM_001407314.1); c.961-3_961-1delinsAA (NM_001407313.1, NM_001407312.1); c.2689-3_2689-1delinsAA (NM_001407296.1); c.2677-3_2677-1delinsAA (NM_001407297.1); c.2587-3_2587-1delinsAA (NM_001407302.1, NM_001407298.1); c.2749-3_2749-1delinsAA (NM_001407300.1, NM_001407299.1, NM_001407301.1); c.1702-3_1702-1delinsAA (NM_001407307.1).
Identifiers: ClinVar variation 2673837 (VCV002673837.1), dbSNP rs2506352068, ClinGen allele CA2695197611.

ClinVar aggregate classification (germline): Likely pathogenic (1 of 4 stars; one submission).

Conditions:
Familial cancer of breast. Also called: Hereditary breast cancer; BREAST CANCER, FAMILIAL; hereditary breast carcinoma. Identifiers: Orphanet 227535, MedGen C0346153, MONDO:0016419, OMIM 114480. Disease mechanism: loss of function.

Submission:

Myriad Genetics, Inc.
Classification: Likely pathogenic for Familial cancer of breast. Last evaluated: 2023-09-13. Review status: criteria provided, single submitter. Criteria: Myriad Autosomal Dominant, Autosomal Recessive and X-Linked Classification Criteria (2023). Collection method: clinical testing. Allele origin: unknown.
Comment: This variant is considered likely pathogenic. This variant occurs within a consensus splice junction and is predicted to result in abnormal mRNA splicing of either an out-of-frame exon or an in-frame exon necessary for protein stability and/or normal function.